The following is an entry in ClinVar:

NM_181741.4(ORC4):c.870_873dup (p.Ala292fs)

Gene: ORC4 (origin recognition complex subunit 4; minus strand). Cytogenetic location: 2q23.1.
Variant type: Duplication.
Coding change: c.870_873dup on transcript NM_181741.4 (MANE Select); coding-DNA positions 870 to 873, 4 bases duplicated (AACA; older notation c.870_873dupAACA).
Protein change: p.Ala292fs; shifts the reading frame from alanine 292.
Molecular consequence: frameshift variant.
Genome position (GRCh38, 1-based): chr2:147,939,225-147,939,228, TGTT duplicated on the plus strand (AACA on the coding strand, the reverse complement: ORC4 is on the minus strand). VCF-style (leftmost placement, unchanged base first): chr2-147939224-C-CTGTT. GRCh37 (hg19) VCF-style: chr2-148696793-C-CTGTT.
Other names: c.870_873dup, p.Ala292fs (NM_001190879.3, NM_001374270.1, NM_002552.5); c.618_621dup, p.Ala208fs (NM_001190881.3, NM_001374272.1); c.648_651dup, p.Ala218fs (NM_001190882.3); c.870_873dup, p.Ala292Asnfs (NM_181742.5); short protein forms A208fs, A218fs, A292fs.
Identifiers: ClinVar variation 30296 (VCV000030296.10), dbSNP rs797044461, ClinGen allele CA213021.

ClinVar aggregate classification (germline): Pathogenic. Review status: criteria provided, multiple submitters, no conflicts (2 of 4 stars). 3 submissions from 3 submitters: Pathogenic (2). 1 of the submissions does not count toward it. Last evaluated 2026-09-24.

Conditions:
ORC4-related disorder. Also called: ORC4-related condition.
Meier-Gorlin syndrome 2 (MGORS2). Identifiers: Orphanet 2554, MedGen C3151097, MONDO:0013428, OMIM 613800.

Allele frequency attached by ClinVar (database versions not stated): gnomAD exomes 0.00001 and 0.00002; TOPMed 0.00002; gnomAD 0.00001.

Submissions (3):

PreventionGenetics, part of Exact Sciences
Classification: Pathogenic for ORC4-related condition. Last evaluated: 2026-09-24. Review status: criteria provided, single submitter. Criteria: ACMG Guidelines, 2015. Collection method: clinical testing. Allele origin: germline.
Comment: The ORC4 c.870_873dupAACA variant is predicted to result in a frameshift and premature protein termination (p.Ala292Asnfs*20). This variant has been reported along with a second ORC4 variant in multiple individuals with Meier-Gorlin syndrome 2 (referred to as c.874_875insAACA, Bicknell et al. 2011. PubMed ID: 21358632; Guernsey et al. 2011. PubMed ID: 21358631; de Munnik et al. 2012. PubMed ID: 22333897). This variant is reported in 0.0026% of alleles in individuals of European (Non-Finnish) descent in gnomAD. Frameshift variants in ORC4 are expected to be pathogenic. This variant is interpreted as pathogenic.

Labcorp Genetics (formerly Invitae), Labcorp
Classification: Pathogenic. Last evaluated: 2021-04-09. Review status: criteria provided, single submitter. Criteria: Invitae Variant Classification Sherloc (09022015). Collection method: clinical testing. Allele origin: germline.
Comment: For these reasons, this variant has been classified as Pathogenic. This variant has been observed in individual(s) with Meier-Gorlin syndrome (PMID: 21358631, 21358632). In at least one individual the data is consistent with the variant being in trans (on the opposite chromosome) from a pathogenic variant. This variant is also known as c.874_875insAACA. ClinVar contains an entry for this variant (Variation ID: 30296). This variant is not present in population databases (ExAC no frequency). This sequence change creates a premature translational stop signal (p.Ala292Asnfs*20) in the ORC4 gene. It is expected to result in an absent or disrupted protein product. Loss-of-function variants in ORC4 are known to be pathogenic (PMID: 21358631, 22333897, 21358632).

OMIM
Classification: Pathogenic for MEIER-GORLIN SYNDROME 2. Last evaluated: 2011-02-27. Review status: no assertion criteria provided. Collection method: literature only. Allele origin: germline. Not counted in ClinVar's aggregate classification.

Literature cited by the submitters: PubMed 21358631 (cited by Labcorp Genetics (formerly Invitae), Labcorp and OMIM); PubMed 21358632 (cited by Labcorp Genetics (formerly Invitae), Labcorp and OMIM); PubMed 22333897 (cited by Labcorp Genetics (formerly Invitae), Labcorp).